The following is an entry in ClinVar:

NM_000052.7(ATP7A):c.2131G>A (p.Val711Ile)

Gene: ATP7A (ATPase copper transporting alpha; plus strand). Cytogenetic location: Xq21.1.
Variant type: single nucleotide variant.
Coding change: c.2131G>A on transcript NM_000052.7 (MANE Select); coding-DNA position 2131, G replaced by A.
Protein change: p.Val711Ile; replaces valine 711 with isoleucine.
Molecular consequence: missense variant.
Genome position (GRCh38, 1-based): chrX:78,011,633, G>A. VCF-style: chrX-78011633-G-A. GRCh37 (hg19) VCF-style: chrX-77267130-G-A.
Other names: c.2131G>A, p.Val711Ile (NM_001282224.2); short protein forms V711I.
Identifiers: ClinVar variation 660917 (VCV000660917.17), dbSNP rs782268170, ClinGen allele CA10459200.
Genomic context (GRCh38, chrX:78,011,633, plus strand): 5'-GAAATGATCAACCTTCATTCTTCTATGTTCCTGGAGCGCCAGATTCTTCCAGGATTGTCT[G>A]TTATGAATTTGCTGTCCTTTTTATTGTGTGTACCTGTACAGGCAAGTGAATTGTTAGCAA-3'
Protein context (NP_000043.4, residues 701-721): LERQILPGLS[Val711Ile]MNLLSFLLCV

ClinVar aggregate classification (germline): Conflicting classifications of pathogenicity. Review status: criteria provided, conflicting classifications (1 of 4 stars). 8 submissions from 8 submitters: Uncertain significance (1); Benign (1); Likely benign (5). 1 of the submissions does not count toward it. Last evaluated 2026-07-01.

Conditions:
Inborn genetic diseases. Identifiers: MedGen C0950123, MeSH D030342.
Menkes kinky-hair syndrome (MNK). Also called: Copper transport disease; Menkes Disease; Classic Menkes Disease. Identifiers: Orphanet 565, MedGen C0022716, MONDO:0010651, OMIM 309400.
X-linked distal spinal muscular atrophy type 3. Also called: SPINAL MUSCULAR ATROPHY, DISTAL, X-LINKED RECESSIVE; ATP7A-Related Distal Motor Neuropathy; NEURONOPATHY, DISTAL HEREDITARY MOTOR, X-LINKED; NEUROPATHY, DISTAL HEREDITARY MOTOR, X-LINKED. Identifiers: Orphanet 139557, MedGen C1845359, MONDO:0010338, OMIM 300489.
Cutis laxa, X-linked (OHS). Also called: EDS IX; Occipital horn syndrome. Identifiers: Orphanet 198, MedGen C0268353, MONDO:0010572, OMIM 304150.

Allele frequency attached by ClinVar (database versions not stated): ExAC 0.00001; gnomAD exomes 0.00001 and 0.00003; gnomAD 0.00022 and 0.00025; TOPMed 0.00067.
gnomAD v4.1: 47 of 1,209,206 alleles (0.0039%); highest among the groups gnomAD compares: Admixed American, 0.068%; no homozygotes.

Submissions (8):

CeGaT Center for Human Genetics Tuebingen
Classification: Likely benign. Last evaluated: 2026-07-01. Review status: criteria provided, single submitter. Criteria: CeGaT Center For Human Genetics Tuebingen Variant Classification Criteria Version 2. Collection method: clinical testing. Allele origin: germline. Affected: yes. Observed: 1 variant allele.
Comment: ATP7A: BP4, BS2

Women's Health and Genetics/Laboratory Corporation of America, LabCorp
Classification: Likely benign. Last evaluated: 2026-04-28. Review status: criteria provided, single submitter. Criteria: LabCorp Variant Classification Summary - May 2015. Collection method: clinical testing. Allele origin: germline.
Comment: Variant summary: ATP7A c.2131G>A (p.Val711Ile) results in a conservative amino acid change in the encoded protein sequence. Algorithms developed to predict the effect of missense changes on protein structure and function are either unavailable or do not agree on the potential impact of this missense change. The variant allele was found at a frequency of 3.9e-05 in 1209206 control chromosomes, predominantly at a frequency of 0.00068 within the Latino subpopulation in the gnomAD database, including 9 hemizygotes. This frequency is not significantly higher than estimated for disease-causing variants in ATP7A, however, the observation of these hemizygous controls is not consistent with the onset and severity of ATP7A-related conditions. To our knowledge, no occurrence of c.2131G>A in individuals affected with ATP7A-related conditions and no experimental evidence demonstrating its impact on protein function have been reported. ClinVar contains an entry for this variant (Variation ID: 660917). Based on the evidence outlined above, the variant was classified as likely benign.

Labcorp Genetics (formerly Invitae), Labcorp
Classification: Likely benign for X-linked distal spinal muscular atrophy type 3; Cutis laxa, X-linked; Menkes kinky-hair syndrome. Last evaluated: 2026-02-03. Review status: criteria provided, single submitter. Criteria: Invitae Variant Classification Sherloc (09022015). Collection method: clinical testing. Allele origin: germline.

Ambry Genetics
Classification: Benign for Inborn genetic diseases. Last evaluated: 2022-04-11. Review status: criteria provided, single submitter. Criteria: Ambry Variant Classification Scheme 2023. Collection method: clinical testing. Allele origin: germline.

Blueprint Genetics
Classification: Likely benign. Last evaluated: 2021-07-08. Review status: criteria provided, single submitter. Criteria: ACMG Guidelines, 2015. Collection method: clinical testing. Allele origin: germline.

Revvity Omics, Revvity
Classification: Uncertain significance. Last evaluated: 2021-04-07. Review status: criteria provided, single submitter. Criteria: ACMG Guidelines, 2015. Collection method: clinical testing. Allele origin: germline.

GeneDx
Classification: Likely benign. Last evaluated: 2020-12-28. Review status: criteria provided, single submitter. Criteria: GeneDx Variant Classification Process June 2021. Collection method: clinical testing. Allele origin: germline. Affected: yes.

Natera, Inc.
Classification: Uncertain significance for Distal spinal muscular atrophy, X-linked 3; Cutis laxa, X-linked; Menkes kinky-hair syndrome. Last evaluated: 2020-09-16. Review status: no assertion criteria provided. Collection method: clinical testing. Allele origin: germline. Not counted in ClinVar's aggregate classification.